The following is an entry in ClinVar:

NM_007347.5(AP4E1):c.2360A>T (p.Asp787Val)

Gene: AP4E1 (adaptor related protein complex 4 subunit epsilon 1; plus strand). Cytogenetic location: 15q21.2.
Variant type: single nucleotide variant.
Coding change: c.2360A>T on transcript NM_007347.5 (MANE Select); coding-DNA position 2360, A replaced by T.
Protein change: p.Asp787Val; replaces aspartic acid 787 with valine.
Molecular consequence: missense variant.
Genome position (GRCh38, 1-based): chr15:50,997,339, A>T. VCF-style: chr15-50997339-A-T. GRCh37 (hg19) VCF-style: chr15-51289536-A-T.
Other names: c.2135A>T, p.Asp712Val (NM_001252127.2); short protein forms D712V, D787V.
Identifiers: ClinVar variation 1393253 (VCV001393253.6), dbSNP rs2140934224, ClinGen allele CA392419791.

ClinVar aggregate classification (germline): Uncertain significance (1 of 4 stars; one submission).

Conditions:
Spastic paraplegia. Identifiers: MedGen C0037772, HP:0001258.

Allele frequency attached by ClinVar (database versions not stated): gnomAD exomes below 0.00001.

Submission:

Labcorp Genetics (formerly Invitae), Labcorp
Classification: Uncertain significance for Spastic paraplegia. Last evaluated: 2021-11-01. Review status: criteria provided, single submitter. Criteria: Invitae Variant Classification Sherloc (09022015). Collection method: clinical testing. Allele origin: germline.
Comment: This sequence change replaces aspartic acid, which is acidic and polar, with valine, which is neutral and non-polar, at codon 787 of the AP4E1 protein (p.Asp787Val). This variant is not present in population databases (gnomAD no frequency). This variant has not been reported in the literature in individuals affected with AP4E1-related conditions. Algorithms developed to predict the effect of missense changes on protein structure and function are either unavailable or do not agree on the potential impact of this missense change (SIFT: "Deleterious"; PolyPhen-2: "Probably Damaging"; Align-GVGD: "Class C0"). In summary, the available evidence is currently insufficient to determine the role of this variant in disease. Therefore, it has been classified as a Variant of Uncertain Significance.